The following is an entry in ClinVar:

NM_139319.3(SLC17A8):c.322A>G (p.Thr108Ala)

Gene: SLC17A8 (solute carrier family 17 member 8; plus strand). Cytogenetic location: 12q23.1.
Variant type: single nucleotide variant.
Coding change: c.322A>G on transcript NM_139319.3 (MANE Select); coding-DNA position 322, A replaced by G.
Protein change: p.Thr108Ala; replaces threonine 108 with alanine.
Molecular consequence: missense variant.
Genome position (GRCh38, 1-based): chr12:100,380,921, A>G. VCF-style: chr12-100380921-A-G. GRCh37 (hg19) VCF-style: chr12-100774699-A-G.
Other names: c.322A>G (NM_139319.2); c.322A>G, p.Thr108Ala (NM_001145288.2); short protein forms T108A.
Identifiers: ClinVar variation 2718797 (VCV002718797.5), dbSNP rs749102850, ClinGen allele CA6738716.

ClinVar aggregate classification (germline): Uncertain significance. Review status: criteria provided, multiple submitters, no conflicts (2 of 4 stars). 2 submissions from 2 submitters: Uncertain significance (2). Last evaluated 2026-01-06.

Allele frequency attached by ClinVar (database versions not stated): gnomAD exomes 0.00001; gnomAD 0.00001; ExAC 0.00002; TOPMed 0.00003.
gnomAD v4.1: 10 of 1,613,966 alleles (0.00062%); highest among the groups gnomAD compares: Admixed American, 0.012%; no homozygotes.

Submissions (2):

GeneDx
Classification: Uncertain significance. Last evaluated: 2026-01-06. Review status: criteria provided, single submitter. Criteria: GeneDx Variant Classification Process June 2021. Collection method: clinical testing. Allele origin: germline.
Comment: In silico analysis supports that this missense variant has a deleterious effect on protein structure/function; Has not been previously published as pathogenic or benign to our knowledge

Labcorp Genetics (formerly Invitae), Labcorp
Classification: Uncertain significance. Last evaluated: 2025-03-18. Review status: criteria provided, single submitter. Criteria: Invitae Variant Classification Sherloc (09022015). Collection method: clinical testing. Allele origin: germline.
Comment: This sequence change replaces threonine, which is neutral and polar, with alanine, which is neutral and non-polar, at codon 108 of the SLC17A8 protein (p.Thr108Ala). This variant is present in population databases (rs749102850, gnomAD 0.01%). This variant has not been reported in the literature in individuals affected with SLC17A8-related conditions. ClinVar contains an entry for this variant (Variation ID: 2718797). Invitae Evidence Modeling of protein sequence and biophysical properties (such as structural, functional, and spatial information, amino acid conservation, physicochemical variation, residue mobility, and thermodynamic stability) indicates that this missense variant is not expected to disrupt SLC17A8 protein function with a negative predictive value of 80%. In summary, the available evidence is currently insufficient to determine the role of this variant in disease. Therefore, it has been classified as a Variant of Uncertain Significance.